The following is an entry in ClinVar:

NM_007294.4(BRCA1):c.4232T>C (p.Met1411Thr)

Gene: BRCA1 (BRCA1 DNA repair associated; minus strand). Cytogenetic location: 17q21.31.
Variant type: single nucleotide variant.
Coding change: c.4232T>C on transcript NM_007294.4 (MANE Select); coding-DNA position 4232, T replaced by C.
Protein change: p.Met1411Thr; replaces methionine 1411 with threonine.
Molecular consequence: missense variant. On other transcripts: non-coding transcript variant (1).
Genome position (GRCh38, 1-based): chr17:43,082,529, A>G on the plus strand (T>C on the coding strand, the complement: BRCA1 is on the minus strand). VCF-style: chr17-43082529-A-G. GRCh37 (hg19) VCF-style: chr17-41234546-A-G.
Other names: c.3962T>C, p.Met1321Thr (NM_001407934.1); c.4091T>C, p.Met1364Thr (NM_001407944.1, NM_001407945.1, NM_001407692.1 and 23 more transcripts); c.3899T>C, p.Met1300Thr (NM_001407946.1, NM_001407947.1, NM_001407948.1 and 3 more transcripts); c.3896T>C, p.Met1299Thr (NM_001407952.1, NM_001407953.1, NM_001407954.1 and 3 more transcripts); c.4088T>C, p.Met1363Thr (NM_001407964.1, NM_001407740.1, NM_001407741.1 and 23 more transcripts); c.3725T>C, p.Met1242Thr (NM_001407965.1); c.3344T>C, p.Met1115Thr (NM_001407966.1, NM_001407967.1); c.1628T>C, p.Met543Thr (NM_001407968.1); and 51 more; short protein forms M1411T, M1364T, M308T, M1115T, M1283T, M1284T, M1344T, M1363T.
Identifiers: ClinVar variation 55147 (VCV000055147.18), dbSNP rs273900729, ClinGen allele CA002723.

ClinVar aggregate classification (germline): Likely pathogenic. Review status: criteria provided, multiple submitters, no conflicts (2 of 4 stars). 7 submissions from 7 submitters: Likely pathogenic (6). 1 of the submissions does not count toward it. Last evaluated 2025-09-12.

Conditions:
Hereditary cancer-predisposing syndrome. Also called: Hereditary Cancer Syndrome; Hereditary neoplastic syndrome; Neoplastic Syndromes, Hereditary; Tumor predisposition. Identifiers: Orphanet 140162, MedGen C0027672, MeSH D009386, MONDO:0015356.
Breast-ovarian cancer, familial, susceptibility to, 1 (BROVCA1). Also called: BRCA1 Hereditary Breast and Ovarian Cancer; OVARIAN CANCER, SUSCEPTIBILITY TO. Identifiers: Orphanet 145, MedGen C2676676, MONDO:0011450, OMIM 604370. Disease mechanism: loss of function.
Hereditary breast ovarian cancer syndrome. Also called: BRCA1- and BRCA2-Associated Hereditary Breast and Ovarian Cancer; Hereditary breast and ovarian cancer syndrome; Hereditary breast and ovarian cancer syndrome (HBOC); Breast and ovarian cancer; Hereditary breast and/or ovarian cancer syndrome; Hereditary breast and ovarian cancer. Identifiers: Orphanet 145, MedGen C0677776, MeSH D061325, MONDO:0003582. Disease mechanism: loss of function.

Submissions (7):

Labcorp Genetics (formerly Invitae), Labcorp
Classification: Likely pathogenic for Hereditary breast ovarian cancer syndrome. Last evaluated: 2025-09-12. Review status: criteria provided, single submitter. Criteria: Invitae Variant Classification Sherloc (09022015). Collection method: clinical testing. Allele origin: germline.
Comment: This sequence change replaces methionine, which is neutral and non-polar, with threonine, which is neutral and polar, at codon 1411 of the BRCA1 protein (p.Met1411Thr). This variant is not present in population databases (gnomAD no frequency). This missense change has been observed in individual(s) with breast and/or ovarian cancer (PMID: 1474686; external communication). It has also been observed to segregate with disease in related individuals. This variant is also known as 4351T>C. ClinVar contains an entry for this variant (Variation ID: 55147). Invitae Evidence Modeling of protein sequence and biophysical properties (such as structural, functional, and spatial information, amino acid conservation, physicochemical variation, residue mobility, and thermodynamic stability) indicates that this missense variant is expected to disrupt BRCA1 protein function with a positive predictive value of 80%. Experimental studies have shown that this missense change affects BRCA1 function (PMID: 19369211, 24845084, 28398198, 28781887, 30765603). In summary, the currently available evidence indicates that the variant is pathogenic, but additional data are needed to prove that conclusively. Therefore, this variant has been classified as Likely Pathogenic.

Women's Health and Genetics/Laboratory Corporation of America, LabCorp
Classification: Likely pathogenic for Hereditary breast ovarian cancer syndrome. Last evaluated: 2024-10-25. Review status: criteria provided, single submitter. Criteria: LabCorp Variant Classification Summary - May 2015. Collection method: clinical testing. Allele origin: germline.
Comment: Variant summary: BRCA1 c.4232T>C (p.Met1411Thr) results in a non-conservative amino acid change in the encoded protein sequence. Three of five in-silico tools predict a benign effect of the variant on protein function. The variant was absent in 251420 control chromosomes. c.4232T>C has been reported in the literature in individuals affected with Hereditary Breast And/or Ovarian Cancer (e.g. Malander_2004, Bjorkman_2015) and metastatic castration-resistant prostate cancer however this individual also had a homozygous PTEN deletion (Kamisawa_2022). Multiple publications report experimental evidence evaluating an impact on protein function. Experimental studies show that the variant results in reduced homologous recombination (HR) repair activity and disrupted interaction with PALB2 (e.g. Woods_2016, Anantha_2017, Sy_2009, Carvalho_2014, Bouwman_2020, Hovland_2023, Fernandes_2019). The following publications have been ascertained in the context of this evaluation (PMID: 28398198, 32546644, 24845084, 30765603, 36833189, 14746861, 19369211, 28781887, 25646469, 35754315). ClinVar contains an entry for this variant (Variation ID: 55147). Based on the evidence outlined above, the variant was classified as likely pathogenic.

Ambry Genetics
Classification: Likely pathogenic for Hereditary cancer-predisposing syndrome. Last evaluated: 2024-03-28. Review status: criteria provided, single submitter. Criteria: Ambry Variant Classification Scheme 2023. Collection method: clinical testing. Allele origin: germline.
Comment: The p.M1411T variant (also known as c.4232T>C), located in coding exon 11 of the BRCA1 gene, results from a T to C substitution at nucleotide position 4232. The methionine at codon 1411 is replaced by threonine, an amino acid with similar properties. This alteration has been observed in multiple families with a strong family history of breast and ovarian cancer and has been reported to segregate with disease in some of these families (Malander S et al. Eur. J. Cancer. 2004 Feb;40:422-8; External communication). This alteration precludes PALB2 binding to and transactivation of BRCA1 (Sy SM et al. Proc. Natl. Acad. Sci. U.S.A. 2009; Carvalho RS et al. PLoS ONE. 2014 May;9:e97766; Woods NT et al. Genomic Med. 2016 Mar:16001; Anantha RW et al. Elife. 2017 Apr;6:). This variant has also been shown to be defective in multiple functional studies including a PARP inhibitor sensitivity assay and homology-directed repair assays (Sy SM et al. Proc. Natl. Acad. Sci. U.S.A. 2009; Bouwman P et al. Cancer Discov. 2013 Oct;3:1142-55; Anantha RW et al. Elife. 2017 Apr;6), and has been reported as Likely Pathogenic using a Bayesian integrative statistical model that combined data from multiple studies to generate likelihood for pathogenicity (Fernandes VC et al. J Biol Chem. 2019 Apr;294(15):5980-5992). This variant is considered to be rare based on population cohorts in the Genome Aggregation Database (gnomAD). This amino acid position is highly conserved in available vertebrate species. In addition, the in silico prediction for this alteration is inconclusive. Based on the majority of available evidence to date, this variant is likely to be pathogenic.

Clinical Genetics Laboratory, Skane University Hospital Lund
Classification: Likely pathogenic. Last evaluated: 2024-02-12. Review status: criteria provided, single submitter. Criteria: ACMG Guidelines, 2015. Collection method: clinical testing. Allele origin: germline. Affected: yes.

German Consortium for Hereditary Breast and Ovarian Cancer, University Hospital Cologne
Classification: Likely pathogenic for Hereditary breast ovarian cancer syndrome. Last evaluated: 2024-01-05. Review status: criteria provided, single submitter. Criteria: ClinGen BRCA1 V1.0.0. Collection method: curation. Allele origin: germline.
Comment: . According to the ClinGen ENIGMA BRCA1 v1.0.0 criteria we chose these criteria: PS3 (strong pathogenic): Functional analysis: neutral in Cisplatin/Olaparib Response (Bouwman 2013/20), but PALB2-interaction und HR activity depleted (Sy 2009 (PMID: 19369211); Woods 2016 (PMID: 28781887); Anantha 2017 (PMID: 28398198); Carvalho 2014 (PMID: 24845084), PM2 (supporting pathogenic): not in gnomAD v3.1.2 (non cancer) (PM2_sup), PP1 (supporting pathogenic): This alteration has been observed in multiple families with a strong family history of breast and ovarian cancer and has been observed to segregate with disease (Malander S et al. Eur. J. Cancer. 2004 Feb;40:422-8 and Ambry Genetics internal data) PP1_mod

MGZ Medical Genetics Center
Classification: Likely pathogenic for Breast-ovarian cancer, familial, susceptibility to, 1. Last evaluated: 2021-07-28. Review status: criteria provided, single submitter. Criteria: ACMG Guidelines, 2015. Collection method: clinical testing. Allele origin: germline. Affected: yes. Observed: 1 variant allele.
Comment: ACMG criteria applied: PS4, PM2_SUP, PP1, BP4

Breast Cancer Information Core (BIC) (BRCA1)
Classification: Uncertain significance for Breast-ovarian cancer, familial 1. Last evaluated: 2010-12-17. Review status: no assertion criteria provided. Collection method: clinical testing. Allele origin: germline. Affected: yes. Observed: 1 variant allele. Not counted in ClinVar's aggregate classification.

Literature cited by the submitters: PubMed 1474686 (cited by Labcorp Genetics (formerly Invitae), Labcorp); PubMed 19369211 (cited by 3 submitters); PubMed 24845084 (cited by 3 submitters); PubMed 28398198 (cited by 3 submitters); PubMed 28781887 (cited by 3 submitters); PubMed 30765603 (cited by 3 submitters); PubMed 14746861 (cited by Women's Health and Genetics/Laboratory Corporation of America, LabCorp and Ambry Genetics); PubMed 25646469 (cited by Women's Health and Genetics/Laboratory Corporation of America, LabCorp); PubMed 32546644 (cited by Women's Health and Genetics/Laboratory Corporation of America, LabCorp); PubMed 36833189 (cited by Women's Health and Genetics/Laboratory Corporation of America, LabCorp); PubMed 35754315 (cited by Women's Health and Genetics/Laboratory Corporation of America, LabCorp); PubMed 20177395 (cited by Ambry Genetics); PubMed 23867111 (cited by Ambry Genetics).